The following is an entry in ClinVar:

ClinVar aggregate classification (germline): Uncertain significance. Review status: criteria provided, multiple submitters, no conflicts (2 of 4 stars). 2 submissions from 2 submitters: Uncertain significance (2). Last evaluated 2023-12-15.

Conditions:
Insulin-dependent diabetes mellitus secretory diarrhea syndrome (IPEX). Also called: Immune dysregulation-polyendocrinopathy-enteropathy-X-linked syndrome; IMMUNODEFICIENCY, POLYENDOCRINOPATHY, AND ENTEROPATHY, X-LINKED; DIABETES MELLITUS, CONGENITAL INSULIN-DEPENDENT, WITH FATAL SECRETORY DIARRHEA; DIARRHEA, POLYENDOCRINOPATHY, FATAL INFECTION SYNDROME, X-LINKED; ENTEROPATHY, AUTOIMMUNE, WITH HEMOLYTIC ANEMIA AND POLYENDOCRINOPATHY; Immunodysregulation, polyendocrinopathy, and enteropathy, X-linked. Identifiers: Orphanet 37042, MedGen C0342288, MONDO:0010580, OMIM 304790. Disease mechanism: loss of function.

Submissions (2):

GeneDx
Classification: Uncertain significance. Last evaluated: 2023-12-15. Review status: criteria provided, single submitter. Criteria: GeneDx Variant Classification Process June 2021. Collection method: clinical testing. Allele origin: germline. Affected: yes.
Comment: Not observed at significant frequency in large population cohorts (gnomAD); In silico analysis supports a deleterious effect on splicing; Has not been previously published as pathogenic or benign to our knowledge

Labcorp Genetics (formerly Invitae), Labcorp
Classification: Uncertain significance for Insulin-dependent diabetes mellitus secretory diarrhea syndrome. Last evaluated: 2022-10-09. Review status: criteria provided, single submitter. Criteria: Invitae Variant Classification Sherloc (09022015). Collection method: clinical testing. Allele origin: germline.
Comment: In summary, the available evidence is currently insufficient to determine the role of this variant in disease. Therefore, it has been classified as a Variant of Uncertain Significance. Algorithms developed to predict the effect of sequence changes on RNA splicing suggest that this variant may disrupt the consensus splice site. ClinVar contains an entry for this variant (Variation ID: 1390061). This variant has not been reported in the literature in individuals affected with FOXP3-related conditions. This variant is not present in population databases (gnomAD no frequency). This sequence change falls in intron 11 of the FOXP3 gene. It does not directly change the encoded amino acid sequence of the FOXP3 protein.

NM_014009.4(FOXP3):c.1147-12G>A

Gene: FOXP3 (forkhead box P3; minus strand). Cytogenetic location: Xp11.23.
Variant type: single nucleotide variant.
Coding change: c.1147-12G>A on transcript NM_014009.4 (MANE Select); 12 bases into the intron before coding-DNA position 1147, G replaced by A.
Molecular consequence: intron variant.
Genome position (GRCh38, 1-based): chrX:49,251,495, C>T on the plus strand (G>A on the coding strand, the complement: FOXP3 is on the minus strand). VCF-style: chrX-49251495-C-T. GRCh37 (hg19) VCF-style: chrX-49107956-C-T.
Other names: c.1042-12G>A (NM_001114377.2).
Identifiers: ClinVar variation 1390061 (VCV001390061.7), dbSNP rs370285865, ClinGen allele CA412947796.